The following is an entry in ClinVar:

ClinVar aggregate classification (germline): Likely benign (1 of 4 stars; one submission).

gnomAD v4.1: 5 of 1,614,062 alleles (0.00031%); highest among the groups gnomAD compares: Non-Finnish European, 0.00042%; no homozygotes.

Submission:

CeGaT Center for Human Genetics Tuebingen
Classification: Likely benign. Last evaluated: 2025-01-01. Review status: criteria provided, single submitter. Criteria: CeGaT Center For Human Genetics Tuebingen Variant Classification Criteria Version 2. Collection method: clinical testing. Allele origin: germline. Affected: yes. Observed: 1 variant allele.
Comment: CHD5: BP4, BP7

NM_015557.3(CHD5):c.2634C>G (p.Pro878=)

Gene: CHD5 (chromodomain helicase DNA binding protein 5; minus strand). Cytogenetic location: 1p36.31.
Variant type: single nucleotide variant.
Coding change: c.2634C>G on transcript NM_015557.3 (MANE Select); coding-DNA position 2634, C replaced by G.
Protein change: p.Pro878=; no amino-acid change (proline 878 retained).
Molecular consequence: synonymous variant.
Genome position (GRCh38, 1-based): chr1:6,136,579, G>C on the plus strand (C>G on the coding strand, the complement: CHD5 is on the minus strand). VCF-style: chr1-6136579-G-C. GRCh37 (hg19) VCF-style: chr1-6196639-G-C.
Identifiers: ClinVar variation 3771842 (VCV003771842.13).